The following is an entry in ClinVar:

ClinVar aggregate classification (germline): Uncertain significance (1 of 4 stars; one submission).

Conditions:
Joubert syndrome. Also called: JOUBERT-BOLTSHAUSER SYNDROME; Familial aplasia of the vermis. Identifiers: Orphanet 475, MedGen C5979921, MONDO:0018772.
Meckel-Gruber syndrome. Also called: DYSENCEPHALIA SPLANCHNOCYSTICA; GRUBER SYNDROME; Dysencephalia splachnocystica. Identifiers: Orphanet 564, MedGen C0265215, MONDO:0018921.

Submission:

Labcorp Genetics (formerly Invitae), Labcorp
Classification: Uncertain significance for Joubert syndrome; Meckel-Gruber syndrome. Last evaluated: 2022-09-02. Review status: criteria provided, single submitter. Criteria: Invitae Variant Classification Sherloc (09022015). Collection method: clinical testing. Allele origin: germline.
Comment: In summary, the available evidence is currently insufficient to determine the role of this variant in disease. Therefore, it has been classified as a Variant of Uncertain Significance. Algorithms developed to predict the effect of sequence changes on RNA splicing suggest that this variant may create or strengthen a splice site. This variant has not been reported in the literature in individuals affected with CC2D2A-related conditions. This variant is not present in population databases (gnomAD no frequency). This sequence change affects codon 306 of the CC2D2A mRNA. It is a 'silent' change, meaning that it does not change the encoded amino acid sequence of the CC2D2A protein.

NM_001378615.1(CC2D2A):c.918C>T (p.Pro306=)

Genes: CC2D2A (coiled-coil and C2 domain containing 2A; plus strand), FBXL5 (F-box and leucine rich repeat protein 5; minus strand). Cytogenetic location: 4p15.32.
Variant type: single nucleotide variant.
Coding change: c.918C>T on transcript NM_001378615.1 (MANE Select); coding-DNA position 918, C replaced by T.
Protein change: p.Pro306=; no amino-acid change (proline 306 retained).
Molecular consequence: synonymous variant.
Genome position (GRCh38, 1-based): chr4:15,515,905, C>T. VCF-style: chr4-15515905-C-T. GRCh37 (hg19) VCF-style: chr4-15517528-C-T.
Other names: c.918C>T, p.Pro306= (NM_001080522.2); c.771C>T, p.Pro257= (NM_001378617.1).
Identifiers: ClinVar variation 2021003 (VCV002021003.4), dbSNP rs1716840860, ClinGen allele CA438381584.